The following is an entry in ClinVar:

ClinVar aggregate classification (germline): Uncertain significance (1 of 4 stars; one submission).

Submission:

Labcorp Genetics (formerly Invitae), Labcorp
Classification: Uncertain significance. Last evaluated: 2024-05-18. Review status: criteria provided, single submitter. Criteria: Invitae Variant Classification Sherloc (09022015). Collection method: clinical testing. Allele origin: germline.
Comment: This sequence change replaces proline, which is neutral and non-polar, with threonine, which is neutral and polar, at codon 622 of the CSF2RB protein (p.Pro622Thr). This variant is not present in population databases (gnomAD no frequency). This variant has not been reported in the literature in individuals affected with CSF2RB-related conditions. Advanced modeling of protein sequence and biophysical properties (such as structural, functional, and spatial information, amino acid conservation, physicochemical variation, residue mobility, and thermodynamic stability) performed at Invitae indicates that this missense variant is expected to disrupt CSF2RB protein function with a positive predictive value of 80%. In summary, the available evidence is currently insufficient to determine the role of this variant in disease. Therefore, it has been classified as a Variant of Uncertain Significance.

NM_000395.3(CSF2RB):c.1864C>A (p.Pro622Thr)

Gene: CSF2RB (colony stimulating factor 2 receptor subunit beta; plus strand). Cytogenetic location: 22q12.3.
Variant type: single nucleotide variant.
Coding change: c.1864C>A on transcript NM_000395.3 (MANE Select); coding-DNA position 1864, C replaced by A.
Protein change: p.Pro622Thr; replaces proline 622 with threonine.
Molecular consequence: missense variant.
Genome position (GRCh38, 1-based): chr22:36,937,672, C>A. VCF-style: chr22-36937672-C-A. GRCh37 (hg19) VCF-style: chr22-37333714-C-A.
Other names: c.1882C>A, p.Pro628Thr (NM_001410827.1); short protein forms P622T, P628T.
Identifiers: ClinVar variation 3683412 (VCV003683412.2).